The following is an entry in ClinVar:

ClinVar aggregate classification (germline): Benign. Review status: criteria provided, multiple submitters, no conflicts (2 of 4 stars). 3 submissions from 3 submitters: Benign (3). Last evaluated 2019-04-20.

Allele frequency attached by ClinVar (database versions not stated): gnomAD 0.01547 and 0.01717; TOPMed 0.01717; 1000 Genomes Project 30x 0.02889; 1000 Genomes Project 0.03095.
gnomAD v4.1: 21,689 of 1,612,982 alleles (1.3%); highest among the groups gnomAD compares: South Asian, 8%; 510 homozygotes.

Submissions (3):

GeneDx
Classification: Benign. Last evaluated: 2019-04-20. Review status: criteria provided, single submitter. Criteria: GeneDx Variant Classification Process June 2021. Collection method: clinical testing. Allele origin: germline. Affected: yes.
Comment: This variant is associated with the following publications: (PMID: 29924831)

Genetic Services Laboratory, University of Chicago
Classification: Benign. Last evaluated: 2013-04-08. Review status: criteria provided, single submitter. Criteria: ACMG Guidelines, 2007. Collection method: clinical testing. Allele origin: germline.

Breakthrough Genomics
Classification: Benign. Review status: criteria provided, single submitter. Criteria: ACMG Guidelines, 2015. Collection method: not provided. Allele origin: germline. Inheritance: Autosomal recessive inheritance. Affected: yes.

NM_001378778.1(MPDZ):c.2104G>A (p.Glu702Lys)

Gene: MPDZ (multiple PDZ domain crumbs cell polarity complex component; minus strand). Cytogenetic location: 9p23.
Variant type: single nucleotide variant.
Coding change: c.2104G>A on transcript NM_001378778.1 (MANE Select); coding-DNA position 2104, G replaced by A.
Protein change: p.Glu702Lys; replaces glutamic acid 702 with lysine.
Molecular consequence: missense variant.
Genome position (GRCh38, 1-based): chr9:13,190,164, C>T on the plus strand (G>A on the coding strand, the complement: MPDZ is on the minus strand). VCF-style: chr9-13190164-C-T. GRCh37 (hg19) VCF-style: chr9-13190163-C-T.
Other names: c.2104G>A, p.Glu702Lys (NM_001261406.2, NM_001261407.2, NM_001330637.2 and 14 more transcripts); short protein forms E702K.
Identifiers: ClinVar variation 211508 (VCV000211508.9), dbSNP rs4741289, ClinGen allele CA209237.